The following is an entry in ClinVar:

NM_007294.4(BRCA1):c.5267A>G (p.Gln1756Arg)

Gene: BRCA1 (BRCA1 DNA repair associated; minus strand). Cytogenetic location: 17q21.31.
Variant type: single nucleotide variant.
Coding change: c.5267A>G on transcript NM_007294.4 (MANE Select); coding-DNA position 5267, A replaced by G.
Protein change: p.Gln1756Arg; replaces glutamine 1756 with arginine.
Molecular consequence: missense variant. On other transcripts: non-coding transcript variant (1).
Genome position (GRCh38, 1-based): chr17:43,057,062, T>C on the plus strand (A>G on the coding strand, the complement: BRCA1 is on the minus strand). VCF-style: chr17-43057062-T-C. GRCh37 (hg19) VCF-style: chr17-41209079-T-C.
Other names: c.5054A>G, p.Gln1685Arg (NM_001407571.1, NM_001407894.1, NM_001407908.1 and 12 more transcripts); c.5333A>G, p.Gln1778Arg (NM_001407581.1, NM_001407582.1); c.5330A>G, p.Gln1777Arg (NM_001407583.1, NM_001407585.1, NM_001407587.1 and 1 more transcripts); c.5327A>G, p.Gln1776Arg (NM_001407590.1, NM_001407591.1); c.5267A>G, p.Gln1756Arg (NM_001407593.1, NM_001407594.1, NM_001407596.1 and 7 more transcripts); c.5264A>G, p.Gln1755Arg (NM_001407615.1, NM_001407616.1, NM_001407617.1 and 17 more transcripts); c.5261A>G, p.Gln1754Arg (NM_001407634.1, NM_001407635.1, NM_001407636.1 and 14 more transcripts); c.5186A>G, p.Gln1729Arg (NM_001407656.1, NM_001407657.1, NM_001407658.1); and 72 more; short protein forms Q1756R, Q1709R, Q1777R, Q652R, Q1627R, Q1629R, Q1667R, Q1687R.
Identifiers: ClinVar variation 580844 (VCV000580844.19), dbSNP rs1567764257, ClinGen allele CA10591021.

ClinVar aggregate classification (germline): Conflicting classifications of pathogenicity. Review status: criteria provided, conflicting classifications (1 of 4 stars). 6 submissions from 6 submitters: Uncertain significance (4); Likely benign (2). Last evaluated 2025-11-25.

Conditions:
Breast-ovarian cancer, familial, susceptibility to, 1 (BROVCA1). Also called: BRCA1 Hereditary Breast and Ovarian Cancer; OVARIAN CANCER, SUSCEPTIBILITY TO. Identifiers: Orphanet 145, MedGen C2676676, MONDO:0011450, OMIM 604370. Disease mechanism: loss of function.
Hereditary breast ovarian cancer syndrome. Also called: Hereditary breast and ovarian cancer; Hereditary breast and ovarian cancer syndrome; Hereditary breast and ovarian cancer syndrome (HBOC); Breast and ovarian cancer; BRCA1- and BRCA2-Associated Hereditary Breast and Ovarian Cancer; Hereditary breast and/or ovarian cancer syndrome. Identifiers: Orphanet 145, MedGen C0677776, MeSH D061325, MONDO:0003582. Disease mechanism: loss of function.
BRCA1-related cancer predisposition. Identifiers: MedGen CN377757, MONDO:0700268.
Hereditary cancer-predisposing syndrome. Also called: Tumor predisposition; Neoplastic Syndromes, Hereditary; Hereditary Cancer Syndrome; Hereditary neoplastic syndrome. Identifiers: Orphanet 140162, MedGen C0027672, MeSH D009386, MONDO:0015356.

Submissions (7):

Labcorp Genetics (formerly Invitae), Labcorp
Classification: Uncertain significance for Hereditary breast ovarian cancer syndrome. Last evaluated: 2025-11-25. Review status: criteria provided, single submitter. Criteria: Invitae Variant Classification Sherloc (09022015). Collection method: clinical testing. Allele origin: germline.
Comment: This sequence change replaces glutamine, which is neutral and polar, with arginine, which is basic and polar, at codon 1756 of the BRCA1 protein (p.Gln1756Arg). This variant is not present in population databases (gnomAD no frequency). This variant has not been reported in the literature in individuals affected with BRCA1-related conditions. ClinVar contains an entry for this variant (Variation ID: 580844). Invitae Evidence Modeling incorporating data from in vitro experimental studies (PMID: 30209399) indicates that this missense variant is not expected to disrupt BRCA1 function with a negative predictive value of 95%. In summary, the available evidence is currently insufficient to determine the role of this variant in disease. Therefore, it has been classified as a Variant of Uncertain Significance.

Women's Health and Genetics/Laboratory Corporation of America, LabCorp
Classification: Uncertain significance. Last evaluated: 2025-04-25. Review status: criteria provided, single submitter. Criteria: LabCorp Variant Classification Summary - May 2015. Collection method: clinical testing. Allele origin: germline.
Comment: Variant summary: BRCA1 c.5267A>G (p.Gln1756Arg) results in a conservative amino acid change in the encoded protein sequence. Four of four in-silico tools predict a benign effect of the variant on protein function. The variant was absent in 251494 control chromosomes. The available data on variant occurrences in the general population are insufficient to allow any conclusion about variant significance. To our knowledge, no occurrence of c.5267A>G in individuals affected with Hereditary Breast And Ovarian Cancer Syndrome has been reported. At least one functional study reports experimental evidence evaluating an impact on protein function and showed no damaging effect of this variant on homology directed repair (HDR) activity (e.g. Findlay_2018). HDR assays qualify as a recognized gold standard on the basis of updated guidance provided by the ClinGen Sequence Variant Interpretation (SVI) working group. The following publication have been ascertained in the context of this evaluation (PMID: 30209399). ClinVar contains an entry for this variant (Variation ID: 580844). Based on the evidence outlined above, the variant was classified as uncertain significance.

Myriad Genetics, Inc.
Classification: Likely benign for Breast-ovarian cancer, familial, susceptibility to, 1. Last evaluated: 2025-04-02. Review status: criteria provided, single submitter. Criteria: Myriad Autosomal Dominant, Autosomal Recessive and X-Linked Classification Criteria (2023). Collection method: clinical testing. Allele origin: unknown.
Comment: This variant is considered likely benign. This variant is strongly associated with less severe personal and family histories of cancer, typical for individuals without pathogenic variants in this gene [PMID: 25085752].

All of Us Research Program, National Institutes of Health
Classification: Uncertain significance for BRCA1-related cancer predisposition. Last evaluated: 2024-09-17. Review status: criteria provided, single submitter. Criteria: ACMG Guidelines, 2015. Collection method: clinical testing. Allele origin: germline. Inheritance: Autosomal dominant inheritance. Observed: 1 variant allele, 1 heterozygote.
Comment: This study involves interpretation of variants in research participants for the purpose of population health screening. Participant phenotype was not available at the time of variant classification. Additional details can be found in publication PMID: 35346344, PMCID: PMC8962531

Quest Diagnostics Nichols Institute San Juan Capistrano
Classification: Uncertain significance. Last evaluated: 2023-06-01. Review status: criteria provided, single submitter. Criteria: Quest Diagnostics criteria. Collection method: clinical testing. Allele origin: unknown.
Comment: To the best of our knowledge, this variant has not been reported in individuals with BRCA1-related conditions in the published literature. It also has not been reported in large, multi-ethnic general populations (Genome Aggregation Database). A functional study reported that this variant apparently retained functional activity in a large-scale study using a haploid cell line (PMID: 30209399 (2018)). However, additional studies are required to determine the global effect of this variant on BRCA1 protein function. Analysis of this variant using bioinformatics tools for the prediction of the effect of amino acid changes on protein structure and function yielded predictions that this variant is benign. Based on the available information, we are unable to determine the clinical significance of this variant.

Ambry Genetics
Classification: Likely benign for Hereditary cancer-predisposing syndrome. Last evaluated: 2021-07-12. Review status: criteria provided, single submitter. Criteria: Ambry Variant Classification Scheme 2023. Collection method: clinical testing. Allele origin: germline.

Brotman Baty Institute, University of Washington
No classification provided (evidence only). Condition: Breast-ovarian cancer, familial 1. Review status: no classification provided. Collection method: in vitro. Allele origin: not applicable. Functional consequence: functionally_normal. Not counted in ClinVar's aggregate classification.
ClinVar note: "not provided" was previously submitted as the classification for the variant. However, the classification appeared to be based only on an observation of functional data so it was converted to no classification on 2025-07-30.

Literature cited by the submitters: PubMed 30209399 (cited by 4 submitters); PubMed 25085752 (cited by Myriad Genetics, Inc.).